The following is an entry in ClinVar:

ClinVar aggregate classification (germline): Uncertain significance. Review status: criteria provided, multiple submitters, no conflicts (2 of 4 stars). 4 submissions from 4 submitters: Uncertain significance (4). Last evaluated 2025-05-14.

Conditions:
Nephrolithiasis susceptibility caused by SLC26A1 (CAON1). Also called: NEPHROLITHIASIS, CALCIUM OXALATE, 1. Identifiers: MedGen C5779632, MONDO:0020722, OMIM 167030.
Hypersulfaturia (HYSULF). Identifiers: MedGen C5830511, MONDO:0957268, OMIM 620372.
SLC26A1-related disorder. Also called: SLC26A1-related condition.

Allele frequency attached by ClinVar (database versions not stated): TOPMed 0.00006; gnomAD exomes 0.00007; ESP Exome Variant Server 0.00008; ExAC 0.00013.
gnomAD v4.1: 133 of 1,600,004 alleles (0.0083%); highest among the groups gnomAD compares: Admixed American, 0.022%; no homozygotes.

Submissions (4):

PreventionGenetics, part of Exact Sciences
Classification: Uncertain significance for SLC26A1-related condition. Last evaluated: 2025-05-14. Review status: criteria provided, single submitter. Criteria: ACMG Guidelines, 2015. Collection method: clinical testing. Allele origin: germline.
Comment: The SLC26A1 c.1316G>A variant is predicted to result in the amino acid substitution p.Arg439Gln. To our knowledge, this variant has not been reported in the literature. This variant is reported in 0.018% of alleles in individuals of Latino descent in gnomAD. At this time, the clinical significance of this variant is uncertain due to the absence of conclusive functional and genetic evidence.

Blueprint Genetics
Classification: Uncertain significance. Last evaluated: 2024-08-28. Review status: criteria provided, single submitter. Criteria: ACMG Guidelines, 2015. Collection method: clinical testing. Allele origin: germline.

Fulgent Genetics
Classification: Uncertain significance for Nephrolithiasis susceptibility caused by SLC26A1; Hypersulfaturia. Last evaluated: 2024-04-16. Review status: criteria provided, single submitter. Criteria: ACMG Guidelines, 2015. Collection method: clinical testing. Allele origin: germline.

Labcorp Genetics (formerly Invitae), Labcorp
Classification: Uncertain significance. Last evaluated: 2023-05-26. Review status: criteria provided, single submitter. Criteria: Invitae Variant Classification Sherloc (09022015). Collection method: clinical testing. Allele origin: germline.
Comment: In summary, the available evidence is currently insufficient to determine the role of this variant in disease. Therefore, it has been classified as a Variant of Uncertain Significance. Advanced modeling of protein sequence and biophysical properties (such as structural, functional, and spatial information, amino acid conservation, physicochemical variation, residue mobility, and thermodynamic stability) performed at Invitae indicates that this missense variant is not expected to disrupt SLC26A1 protein function. This variant has not been reported in the literature in individuals affected with SLC26A1-related conditions. This variant is present in population databases (rs148721282, gnomAD 0.02%). This sequence change replaces arginine, which is basic and polar, with glutamine, which is neutral and polar, at codon 439 of the SLC26A1 protein (p.Arg439Gln).

NM_022042.4(SLC26A1):c.1316G>A (p.Arg439Gln)

Genes: IDUA (alpha-L-iduronidase; plus strand), SLC26A1 (solute carrier family 26 member 1; minus strand). Cytogenetic location: 4p16.3.
Variant type: single nucleotide variant.
Coding change: c.1316G>A on transcript NM_022042.4 (MANE Select); coding-DNA position 1316, G replaced by A.
Protein change: p.Arg439Gln; replaces arginine 439 with glutamine.
Molecular consequence: missense variant. On other transcripts: intron variant (2).
Genome position (GRCh38, 1-based): chr4:989,623, C>T on the plus strand (G>A on the coding strand, the complement: SLC26A1 is on the minus strand). VCF-style: chr4-989623-C-T. GRCh37 (hg19) VCF-style: chr4-983411-C-T.
Other names: c.1316G>A (NM_022042.3); c.1316G>A, p.Arg439Gln (NM_213613.4); c.576+1505G>A (NM_134425.4); c.299+1674C>T (NM_000203.5); short protein forms R439Q.
Identifiers: ClinVar variation 1026137 (VCV001026137.11), dbSNP rs148721282, ClinGen allele CA2801408.